The following is an entry in ClinVar:

ClinVar aggregate classification (germline): Uncertain significance. Review status: criteria provided, multiple submitters, no conflicts (2 of 4 stars). 3 submissions from 3 submitters: Uncertain significance (3). Last evaluated 2026-02-01.

Conditions:
MHC class I deficiency. Identifiers: Orphanet 34592, MedGen C6024714, MONDO:0011476.

Allele frequency attached by ClinVar (database versions not stated): ExAC 0.00004; gnomAD 0.00005; gnomAD exomes 0.00005 and 0.00013; TOPMed 0.00005; ESP Exome Variant Server 0.00015.
gnomAD v4.1: 192 of 1,614,078 alleles (0.012%); highest among the groups gnomAD compares: Non-Finnish European, 0.016%; 1 homozygote.

Submissions (3):

Labcorp Genetics (formerly Invitae), Labcorp
Classification: Uncertain significance for MHC class I deficiency 1. Last evaluated: 2026-02-01. Review status: criteria provided, single submitter. Criteria: Invitae Variant Classification Sherloc (09022015). Collection method: clinical testing. Allele origin: germline.
Comment: This sequence change replaces proline, which is neutral and non-polar, with leucine, which is neutral and non-polar, at codon 246 of the TAPBP protein (p.Pro246Leu). This variant is present in population databases (rs142416547, gnomAD 0.01%). This variant has not been reported in the literature in individuals affected with TAPBP-related conditions. ClinVar contains an entry for this variant (Variation ID: 1010980). An algorithm developed to predict the effect of missense changes on protein structure and function (PolyPhen-2) suggests that this variant is likely to be tolerated. In summary, the available evidence is currently insufficient to determine the role of this variant in disease. Therefore, it has been classified as a Variant of Uncertain Significance.

Ambry Genetics
Classification: Uncertain significance. Last evaluated: 2025-01-17. Review status: criteria provided, single submitter. Criteria: Ambry Variant Classification Scheme 2023. Collection method: clinical testing. Allele origin: germline.

Blueprint Genetics
Classification: Uncertain significance. Last evaluated: 2023-12-04. Review status: criteria provided, single submitter. Criteria: ACMG Guidelines, 2015. Collection method: clinical testing. Allele origin: germline.

NM_003190.5(TAPBP):c.737C>T (p.Pro246Leu)

Gene: TAPBP (TAP binding protein; minus strand). Cytogenetic location: 6p21.32.
Variant type: single nucleotide variant.
Coding change: c.737C>T on transcript NM_003190.5 (MANE Select); coding-DNA position 737, C replaced by T.
Protein change: p.Pro246Leu; replaces proline 246 with leucine.
Molecular consequence: missense variant.
Genome position (GRCh38, 1-based): chr6:33,305,120, G>A on the plus strand (C>T on the coding strand, the complement: TAPBP is on the minus strand). VCF-style: chr6-33305120-G-A. GRCh37 (hg19) VCF-style: chr6-33272897-G-A.
Other names: c.737C>T (NM_003190.4); c.737C>T, p.Pro246Leu (NM_172208.3); c.476C>T, p.Pro159Leu (NM_172209.3); short protein forms P159L, P246L.
Identifiers: ClinVar variation 1010980 (VCV001010980.11), dbSNP rs142416547, ClinGen allele CA3755816.